The following is an entry in ClinVar:

NM_001182.4(ALDH7A1):c.-486C>A

Gene: ALDH7A1 (aldehyde dehydrogenase 7 family member A1; minus strand). Cytogenetic location: 5q23.2.
Variant type: single nucleotide variant.
Coding change: c.-486C>A on transcript NM_001182.4; 486 bases upstream of the start codon, C replaced by A.
Genome position (GRCh38, 1-based): chr5:126,595,684, G>T on the plus strand (C>A on the coding strand, the complement: ALDH7A1 is on the minus strand). VCF-style: chr5-126595684-G-T. GRCh37 (hg19) VCF-style: chr5-125931376-G-T.
Identifiers: ClinVar variation 668772 (VCV000668772.3), dbSNP rs3736171, ClinGen allele CA15385774.

ClinVar aggregate classification (germline): Benign (1 of 4 stars; one submission).

Allele frequency attached by ClinVar (database versions not stated): gnomAD 0.40207 and 0.39696; TOPMed 0.42357; 1000 Genomes Project 0.47105; 1000 Genomes Project 30x 0.47908.

Submission:

GeneDx
Classification: Benign. Last evaluated: 2018-06-19. Review status: criteria provided, single submitter. Criteria: GeneDx Variant Classification (06012015). Collection method: clinical testing. Allele origin: germline. Affected: yes.
Comment: This variant is considered likely benign or benign based on one or more of the following criteria: it is a conservative change, it occurs at a poorly conserved position in the protein, it is predicted to be benign by multiple in silico algorithms, and/or has population frequency not consistent with disease.